The following is an entry in ClinVar:

NM_002458.3(MUC5B):c.6246_6248dup (p.Pro2083_Thr2084insPro)

Genes: MUC5B (mucin 5B, oligomeric mucus/gel-forming; plus strand), MUC5B-AS1 (MUC5B antisense RNA 1; minus strand). Cytogenetic location: 11p15.5.
Variant type: Duplication.
Coding change: c.6246_6248dup on transcript NM_002458.3 (MANE Select); coding-DNA positions 6246 to 6248, 3 bases duplicated (ACC; older notation c.6246_6248dupACC).
Protein change: p.Pro2083_Thr2084insPro.
Molecular consequence: inframe insertion.
Genome position (GRCh38, 1-based): chr11:1,243,126-1,243,128, ACC duplicated; duplicating any 3 consecutive bases within chr11:1,243,125-1,243,128 gives the same sequence; the c. name uses the placement nearest the transcript's 3' end. VCF-style (leftmost placement, unchanged base first): chr11-1243124-A-ACAC. GRCh37 (hg19) VCF-style: chr11-1264354-A-ACAC.
Identifiers: ClinVar variation 4886307 (VCV004886307.2).

ClinVar aggregate classification (germline): Uncertain significance (1 of 4 stars; one submission).

Submission:

Dasa
Classification: Uncertain significance. Last evaluated: 2026-01-02. Review status: criteria provided, single submitter. Criteria: DASA Assertion Criteria. Collection method: clinical testing. Allele origin: germline.
Comment: NM_002458.3(MUC5B):c.6246_6248dup (p.Pro2083dup) is an in-frame duplication predicted to duplicate proline at protein position 2083 without shifting the reading frame. This variant is rare in population databases. The currently available literature and clinical evidence are not sufficient to establish a definitive association between this variant and the reported condition. Therefore, this variant is classified as a variant of uncertain significance.